The following is an entry in ClinVar:

ClinVar aggregate classification (germline): Likely pathogenic. Review status: criteria provided, multiple submitters, no conflicts (2 of 4 stars). 2 submissions from 2 submitters: Likely pathogenic (2). Last evaluated 2025-01-12.

Conditions:
Stuve-Wiedemann syndrome (STWS). Also called: Stüve-Wiedemann syndrome. Identifiers: Orphanet 3206, MedGen C0796176, MONDO:0031280.

Allele frequency attached by ClinVar (database versions not stated): gnomAD exomes 0.00001; TOPMed 0.00001.
gnomAD v4.1: 10 of 1,573,576 alleles (0.00064%); highest among the groups gnomAD compares: Non-Finnish European, 0.00087%; no homozygotes.

Submissions (2):

Natera, Inc.
Classification: Likely pathogenic for Stuve-Wiedemann syndrome. Last evaluated: 2025-01-12. Review status: criteria provided, single submitter. Criteria: Natera Variant Classification Schema (03/2026). Collection method: clinical testing. Allele origin: germline.
Comment: The c.1671+1G>T variant in LIFR is a canonical splice donor site variant predicted to affect pre-mRNA splicing, which may result in an abnormal transcript and altered protein product. This variant is expected to result in nonsense mediated decay, truncation, or a dysfunctional protein product. This variant is rare in the general population with a frequency below the threshold expected for the associated phenotype(s). Given the available evidence, this variant is classified as Likely Pathogenic.

Labcorp Genetics (formerly Invitae), Labcorp
Classification: Likely pathogenic. Last evaluated: 2023-04-15. Review status: criteria provided, single submitter. Criteria: Invitae Variant Classification Sherloc (09022015). Collection method: clinical testing. Allele origin: germline.
Comment: In summary, the currently available evidence indicates that the variant is pathogenic, but additional data are needed to prove that conclusively. Therefore, this variant has been classified as Likely Pathogenic. Algorithms developed to predict the effect of sequence changes on RNA splicing suggest that this variant may disrupt the consensus splice site. ClinVar contains an entry for this variant (Variation ID: 2151379). This variant has not been reported in the literature in individuals affected with LIFR-related conditions. This variant is present in population databases (no rsID available, gnomAD 0.0009%). This sequence change affects a donor splice site in intron 12 of the LIFR gene. It is expected to disrupt RNA splicing. Variants that disrupt the donor or acceptor splice site typically lead to a loss of protein function (PMID: 16199547), and loss-of-function variants in LIFR are known to be pathogenic (PMID: 14740318).

Literature cited by the submitters: PubMed 16199547 (cited by Labcorp Genetics (formerly Invitae), Labcorp); PubMed 14740318 (cited by Labcorp Genetics (formerly Invitae), Labcorp).

NM_001127671.2(LIFR):c.1671+1G>T

Gene: LIFR (LIF receptor subunit alpha; minus strand). Cytogenetic location: 5p13.1.
Variant type: single nucleotide variant.
Coding change: c.1671+1G>T on transcript NM_001127671.2 (MANE Select); the canonical splice donor site of the intron after coding-DNA position 1671, G replaced by T.
Molecular consequence: splice donor variant.
Genome position (GRCh38, 1-based): chr5:38,499,512, C>A on the plus strand (G>T on the coding strand, the complement: LIFR is on the minus strand). VCF-style: chr5-38499512-C-A. GRCh37 (hg19) VCF-style: chr5-38499614-C-A.
Other names: c.1671+1G>T (NM_002310.6, NM_001364298.2, NM_001364297.2 and 1 more transcripts).
Identifiers: ClinVar variation 2151379 (VCV002151379.6), dbSNP rs1010745565, ClinGen allele CA359541216.
Genomic context (GRCh38, chr5:38,499,512, plus strand): 5'-TGCGTAAGTTAAGCAGTTTAGCAAAGTAATGTAAATGTTCACAGAAAAATTAGATATTTA[C>A]CTTCCAATAGATTATTAAATTTTTTCCATCAGAACTCCACTCTCTCCAAGTATCAGGCCC-3'